The following is an entry in ClinVar:

ClinVar aggregate classification (germline): Uncertain significance (1 of 4 stars; one submission).

Conditions:
Inborn genetic diseases. Identifiers: MedGen C0950123, MeSH D030342.

Allele frequency attached by ClinVar (database versions not stated): gnomAD exomes 0.00003.

Submission:

Ambry Genetics
Classification: Uncertain significance for Inborn genetic diseases. Last evaluated: 2023-06-30. Review status: criteria provided, single submitter. Criteria: Ambry Variant Classification Scheme 2023. Collection method: clinical testing. Allele origin: germline.
Comment: The p.E2082D variant (also known as c.6246G>C), located in coding exon 42 of the LRRK2 gene, results from a G to C substitution at nucleotide position 6246. The glutamic acid at codon 2082 is replaced by aspartic acid, an amino acid with highly similar properties. This amino acid position is conserved. In addition, the in silico prediction for this alteration is inconclusive. Since supporting evidence is limited at this time, the clinical significance of this alteration remains unclear.

NM_198578.4(LRRK2):c.6246G>C (p.Glu2082Asp)

Gene: LRRK2 (leucine rich repeat kinase 2; plus strand). Cytogenetic location: 12q12.
Variant type: single nucleotide variant.
Coding change: c.6246G>C on transcript NM_198578.4 (MANE Select); coding-DNA position 6246, G replaced by C.
Protein change: p.Glu2082Asp; replaces glutamic acid 2082 with aspartic acid.
Molecular consequence: missense variant.
Genome position (GRCh38, 1-based): chr12:40,346,889, G>C. VCF-style: chr12-40346889-G-C. GRCh37 (hg19) VCF-style: chr12-40740691-G-C.
Other names: short protein forms E2082D.
Identifiers: ClinVar variation 1752401 (VCV001752401.3), dbSNP rs1221088067, ClinGen allele CA384405626.